The following is an entry in ClinVar:

NM_001035.3(RYR2):c.7678T>G (p.Ser2560Ala)

Gene: RYR2 (ryanodine receptor 2; plus strand). Cytogenetic location: 1q43.
Variant type: single nucleotide variant.
Coding change: c.7678T>G on transcript NM_001035.3 (MANE Select); coding-DNA position 7678, T replaced by G.
Protein change: p.Ser2560Ala; replaces serine 2560 with alanine.
Molecular consequence: missense variant.
Genome position (GRCh38, 1-based): chr1:237,650,042, T>G. VCF-style: chr1-237650042-T-G. GRCh37 (hg19) VCF-style: chr1-237813342-T-G.
Other names: short protein forms S2560A.
Identifiers: ClinVar variation 3072597 (VCV003072597.1), dbSNP rs2547037798, ClinGen allele CA345399330.

ClinVar aggregate classification (germline): Uncertain significance (1 of 4 stars; one submission).

Conditions:
Catecholaminergic polymorphic ventricular tachycardia (CVPT). Also called: Catecholamine-induced polymorphic ventricular tachycardia. Identifiers: Orphanet 3286, MedGen C5574922, MONDO:0017990.

Submission:

All of Us Research Program, National Institutes of Health
Classification: Uncertain significance for Catecholaminergic polymorphic ventricular tachycardia. Last evaluated: 2023-08-08. Review status: criteria provided, single submitter. Criteria: ACMG Guidelines, 2015. Collection method: clinical testing. Allele origin: germline. Inheritance: Autosomal dominant inheritance. Observed: 1 variant allele, 1 heterozygote.
Comment: This missense variant replaces serine with alanine at codon 2560 of the RYR2 protein. Computational prediction suggests that this variant may not impact protein structure and function (internally defined REVEL score threshold <= 0.5, PMID: 27666373). To our knowledge, functional studies have not been reported for this variant. This variant has not been reported in individuals affected with RYR2-related disorders in the literature. This variant has not been identified in the general population by the Genome Aggregation Database (gnomAD). The available evidence is insufficient to determine the role of this variant in disease conclusively. Therefore, this variant is classified as a Variant of Uncertain Significance.

This study involves interpretation of variants in research participants for the purpose of population health screening. Participant phenotype was not available at the time of variant classification. Additional details can be found in publication PMID: 35346344, PMCID: PMC8962531